The following is an entry in ClinVar:

NM_001848.3(COL6A1):c.1119+13C>T

Gene: COL6A1 (collagen type VI alpha 1 chain; plus strand). Cytogenetic location: 21q22.3.
Variant type: single nucleotide variant.
Coding change: c.1119+13C>T on transcript NM_001848.3 (MANE Select); 13 bases into the intron after coding-DNA position 1119, C replaced by T.
Molecular consequence: intron variant.
Genome position (GRCh38, 1-based): chr21:45,991,054, C>T. VCF-style: chr21-45991054-C-T. GRCh37 (hg19) VCF-style: chr21-47410968-C-T.
Identifiers: ClinVar variation 506967 (VCV000506967.13), dbSNP rs199655304, ClinGen allele CA10070089.
Genomic context (GRCh38, chr21:45,991,054, plus strand): 5'-CCTGGCCCCAAGGGAGACCCCGGTGCCTTTGGACTGAAAGGAGAAAAGGTGAGTGACTTG[C>T]GGCCCCTGGAGGACCAGGGCCTTCACGGTTGGCCAAGCGCTGAATTGGAAACCTCTCCTG-3'

ClinVar aggregate classification (germline): Conflicting classifications of pathogenicity. Review status: criteria provided, conflicting classifications (1 of 4 stars). 3 submissions from 3 submitters: Uncertain significance (1); Likely benign (2). Last evaluated 2025-10-01.

Conditions:
Collagen 6-related myopathy. Identifiers: MedGen CN117976, MONDO:0100225.
Bethlem myopathy 1A. Also called: MYOPATHY, BENIGN CONGENITAL, WITH CONTRACTURES; Bethlem myopathy 1; Bethlem Muscular Dystrophy. Identifiers: Orphanet 610, MedGen CN029274, MONDO:0024530, OMIM 158810.

Allele frequency attached by ClinVar (database versions not stated): gnomAD 0.00003 and 0.00004; ESP Exome Variant Server 0.00008; TOPMed 0.00009; 1000 Genomes Project 30x 0.00016; 1000 Genomes Project 0.00020.

Submissions (3):

Labcorp Genetics (formerly Invitae), Labcorp
Classification: Likely benign for Bethlem myopathy 1A. Last evaluated: 2025-10-01. Review status: criteria provided, single submitter. Criteria: Invitae Variant Classification Sherloc (09022015). Collection method: clinical testing. Allele origin: germline.

Illumina Laboratory Services, Illumina
Classification: Uncertain significance for Collagen VI-related myopathy. Last evaluated: 2018-01-13. Review status: criteria provided, single submitter. Criteria: ICSL Variant Classification Criteria 13 December 2019. Collection method: clinical testing. Allele origin: germline.

GeneDx
Classification: Likely benign. Last evaluated: 2017-01-19. Review status: criteria provided, single submitter. Criteria: GeneDx Variant Classification (06012015). Collection method: clinical testing. Allele origin: germline. Affected: yes.
Comment: This variant is considered likely benign or benign based on one or more of the following criteria: it is a conservative change, it occurs at a poorly conserved position in the protein, it is predicted to be benign by multiple in silico algorithms, and/or has population frequency not consistent with disease.